The following is an entry in ClinVar:

ClinVar aggregate classification (germline): Benign/Likely benign. Review status: criteria provided, multiple submitters, no conflicts (2 of 4 stars). 5 submissions from 5 submitters: Benign (1); Likely benign (4). Last evaluated 2025-12-16.

Conditions:
Multiple endocrine neoplasia, type 1 (MEN1). Also called: MEA I; MEN I; WERMER SYNDROME; Endocrine adenomatosis multiple; MEN 1. Identifiers: Orphanet 652, MedGen C0025267, MeSH D018761, MONDO:0007540, OMIM 131100.
Hereditary cancer-predisposing syndrome. Also called: Hereditary neoplastic syndrome; Neoplastic Syndromes, Hereditary; Tumor predisposition; Hereditary Cancer Syndrome. Identifiers: Orphanet 140162, MedGen C0027672, MeSH D009386, MONDO:0015356.

Allele frequency attached by ClinVar (database versions not stated): gnomAD exomes below 0.00001; TOPMed below 0.00001.
gnomAD v4.1: 9 of 1,596,956 alleles (0.00056%); highest among the groups gnomAD compares: Admixed American, 0.0033%; no homozygotes.

Submissions (5):

Labcorp Genetics (formerly Invitae), Labcorp
Classification: Likely benign for Multiple endocrine neoplasia, type 1. Last evaluated: 2025-12-16. Review status: criteria provided, single submitter. Criteria: Invitae Variant Classification Sherloc (09022015). Collection method: clinical testing. Allele origin: germline.

Myriad Genetics, Inc.
Classification: Benign for Multiple endocrine neoplasia, type 1. Last evaluated: 2024-11-05. Review status: criteria provided, single submitter. Criteria: Myriad Autosomal Dominant, Autosomal Recessive and X-Linked Classification Criteria (2023). Collection method: clinical testing. Allele origin: unknown.
Comment: This variant is considered benign. This variant is a silent/synonymous amino acid change and it is not expected to impact splicing.

All of Us Research Program, National Institutes of Health
Classification: Likely benign for Multiple endocrine neoplasia, type 1. Last evaluated: 2023-12-15. Review status: criteria provided, single submitter. Criteria: ACMG Guidelines, 2015. Collection method: clinical testing. Allele origin: germline. Inheritance: Autosomal dominant inheritance. Observed: 3 variant alleles, 3 heterozygotes.
Comment: This study involves interpretation of variants in research participants for the purpose of population health screening. Participant phenotype was not available at the time of variant classification. Additional details can be found in publication PMID: 35346344, PMCID: PMC8962531

KCCC/NGS Laboratory, Kuwait Cancer Control Center
Classification: Likely benign for Multiple endocrine neoplasia, type 1. Last evaluated: 2023-07-07. Review status: criteria provided, single submitter. Criteria: ACMG Guidelines, 2015. Collection method: clinical testing. Allele origin: germline. Affected: yes.

Ambry Genetics
Classification: Likely benign for Hereditary cancer-predisposing syndrome. Last evaluated: 2021-08-10. Review status: criteria provided, single submitter. Criteria: Ambry Variant Classification Scheme 2023. Collection method: clinical testing. Allele origin: germline.

NM_001370259.2(MEN1):c.1410G>A (p.Pro470=)

Gene: MEN1 (menin 1; minus strand). Cytogenetic location: 11q13.1.
Variant type: single nucleotide variant.
Coding change: c.1410G>A on transcript NM_001370259.2 (MANE Select); coding-DNA position 1410, G replaced by A.
Protein change: p.Pro470=; no amino-acid change (proline 470 retained).
Molecular consequence: synonymous variant.
Genome position (GRCh38, 1-based): chr11:64,804,757, C>T on the plus strand (G>A on the coding strand, the complement: MEN1 is on the minus strand). VCF-style: chr11-64804757-C-T. GRCh37 (hg19) VCF-style: chr11-64572229-C-T.
Other names: c.1425G>A, p.Pro475= (NM_130800.3, NM_130801.3, NM_130802.3 and 3 more transcripts); c.1425G>A (NM_000244.3); c.1536G>A, p.Pro512= (NM_001370251.2); c.1410G>A, p.Pro470= (NM_001370260.2, NM_001370261.2, NM_130799.3); c.1305G>A, p.Pro435= (NM_001370262.2, NM_001370263.2).
Identifiers: ClinVar variation 412572 (VCV000412572.16), dbSNP rs1060503795, ClinGen allele CA16613379.
Genomic context (GRCh38, chr11:64,804,757, plus strand): 5'-CTCTGGCTTGGACTCCCGCCGTGGGCCCCGCCGCCGGCCTTCCCGGGCTTCCTCGCCCCA[C>T]GGCTCCTCGGCCTCGGCCGCCTCGGCCTCTCGGCTCACTATGCGCACCTTCTGCCGCACC-3'
Protein context (NP_001357188.2, residues 460-480): REAEAAEAEE[Pro470=]WGEEAREGRR